The following is an entry in ClinVar:

ClinVar aggregate classification (germline): Pathogenic (1 of 4 stars; one submission).

Conditions:
Renal tubular dysgenesis. Also called: Renotubular dysgenesis. Identifiers: Orphanet 3033, MedGen C0266313, MONDO:0017609, HP:0008660.

Submission:

3billion
Classification: Pathogenic for Renal tubular dysgenesis of genetic origin. Last evaluated: 2021-10-02. Review status: criteria provided, single submitter. Criteria: ACMG Guidelines, 2015. Collection method: clinical testing. Allele origin: biparental. Affected: yes. Observed: 1 heterozygote.
Comment: Frameshift: predicted to result in a loss or disruption of normal protein function through nonsense-mediated decay (NMD) or protein truncation. Multiple pathogenic variants are reported downstream of the variant (PVS1_VS). It is observed at an extremely low frequency in the gnomAD v2.1.1 dataset (total allele frequency: 0.0000238, PM2). Therefore, this variant is classified as pathogenic according to the recommendation of ACMG/AMP guideline.

NM_000789.4(ACE):c.1454dup (p.Ser486fs)

Gene: ACE (angiotensin I converting enzyme; plus strand). Cytogenetic location: 17q23.3.
Variant type: Duplication.
Coding change: c.1454dup on transcript NM_000789.4 (MANE Select); coding-DNA position 1454, one base duplicated (C; older notation c.1454dupC).
Protein change: p.Ser486fs; shifts the reading frame from serine 486.
Molecular consequence: frameshift variant.
Genome position (GRCh38, 1-based): chr17:63,483,140, C duplicated; the last of 7 consecutive C bases (chr17:63,483,134-63,483,140); duplicating any one gives the same sequence. VCF-style (leftmost placement, unchanged base first): chr17-63483133-A-AC. GRCh37 (hg19) VCF-style: chr17-61560494-A-AC.
Other names: c.887dup, p.Ser297fs (NM_001382700.1); c.602dup, p.Ser202fs (NM_001382701.1); short protein forms S202fs, S297fs, S486fs.
Identifiers: ClinVar variation 1320127 (VCV001320127.1), dbSNP rs758933315, ClinGen allele CA8699536.
Genomic context (GRCh38, chr17:63,483,133, plus strand): 5'-GCCTTCCTGCCCTTTGGCTACTTGGTGGACCAGTGGCGCTGGGGGGTCTTTAGTGGGCGT[A>AC]CCCCCCCTTCCCGCTACAACTTCGACTGGTGGTATCTTCGGTGAGAGGAGGGATAGAAAA-3'